The following is an entry in ClinVar:

NM_032121.5(MAGT1):c.31T>G (p.Phe11Val)

Gene: MAGT1 (magnesium transporter 1; minus strand). Cytogenetic location: Xq21.1.
Variant type: single nucleotide variant.
Coding change: c.31T>G on transcript NM_032121.5; coding-DNA position 31, T replaced by G.
Protein change: p.Phe11Val; replaces phenylalanine 11 with valine.
Molecular consequence: missense variant.
Genome position (GRCh38, 1-based): chrX:77,895,476, A>C on the plus strand (T>G on the coding strand, the complement: MAGT1 is on the minus strand). VCF-style: chrX-77895476-A-C. GRCh37 (hg19) VCF-style: chrX-77150973-A-C.
Other names: short protein forms F11V.
Identifiers: ClinVar variation 1381590 (VCV001381590.9), dbSNP rs913458526, ClinGen allele CA331580636.

ClinVar aggregate classification (germline): Uncertain significance. Review status: criteria provided, multiple submitters, no conflicts (2 of 4 stars). 3 submissions from 3 submitters: Uncertain significance (3). Last evaluated 2025-12-23.

Conditions:
X-linked immunodeficiency with magnesium defect, Epstein-Barr virus infection and neoplasia. Identifiers: Orphanet 317476, MedGen C3275445, MONDO:0010455, OMIM 300853.
Inborn genetic diseases. Identifiers: MedGen C0950123, MeSH D030342.

Allele frequency attached by ClinVar (database versions not stated): gnomAD exomes 0.00004; TOPMed 0.00002; gnomAD 0.00004.
gnomAD v4.1: 42 of 1,182,826 alleles (0.0036%); highest among the groups gnomAD compares: Non-Finnish European, 0.0045%; no homozygotes.

Submissions (3):

Labcorp Genetics (formerly Invitae), Labcorp
Classification: Uncertain significance for X-linked immunodeficiency with magnesium defect, Epstein-Barr virus infection and neoplasia. Last evaluated: 2025-12-23. Review status: criteria provided, single submitter. Criteria: Invitae Variant Classification Sherloc (09022015). Collection method: clinical testing. Allele origin: germline.
Comment: This sequence change replaces phenylalanine, which is neutral and non-polar, with valine, which is neutral and non-polar, at codon 11 of the MAGT1 protein (p.Phe11Val). This variant is present in population databases (no rsID available, gnomAD 0.02%). This variant has not been reported in the literature in individuals affected with MAGT1-related conditions. ClinVar contains an entry for this variant (Variation ID: 1381590). An algorithm developed to predict the effect of missense changes on protein structure and function (PolyPhen-2) suggests that this variant is likely to be tolerated. In summary, the available evidence is currently insufficient to determine the role of this variant in disease. Therefore, it has been classified as a Variant of Uncertain Significance.

Women's Health and Genetics/Laboratory Corporation of America, LabCorp
Classification: Uncertain significance. Last evaluated: 2025-04-25. Review status: criteria provided, single submitter. Criteria: LabCorp Variant Classification Summary - May 2015. Collection method: clinical testing. Allele origin: germline.
Comment: Variant summary: MAGT1 c.31T>G (p.Phe11Val) results in a non-conservative amino acid change in the encoded protein sequence. Three of four in-silico tools predict a benign effect of the variant on protein function. The variant was absent in 131283 control chromosomes (gnomAD). The available data on variant occurrences in the general population are insufficient to allow any conclusion about variant significance. To our knowledge, no occurrence of c.31T>G in individuals affected with X-Linked Immunodeficiency With Magnesium Defect, Epstein-Barr Virus Infection And Neoplasia and no experimental evidence demonstrating its impact on protein function have been reported. ClinVar contains an entry for this variant (Variation ID: 1381590). Based on the evidence outlined above, the variant was classified as uncertain significance.

Ambry Genetics
Classification: Uncertain significance for Inborn genetic diseases. Last evaluated: 2024-10-28. Review status: criteria provided, single submitter. Criteria: Ambry Variant Classification Scheme 2023. Collection method: clinical testing. Allele origin: germline.